The following is an entry in ClinVar:

ClinVar aggregate classification (germline): Uncertain significance (1 of 4 stars; one submission).

Conditions:
Hereditary cancer-predisposing syndrome. Also called: Neoplastic Syndromes, Hereditary; Tumor predisposition; Hereditary neoplastic syndrome; Hereditary Cancer Syndrome. Identifiers: Orphanet 140162, MedGen C0027672, MeSH D009386, MONDO:0015356.

Submission:

Ambry Genetics
Classification: Uncertain significance for Hereditary cancer-predisposing syndrome. Last evaluated: 2019-10-23. Review status: criteria provided, single submitter. Criteria: Ambry Variant Classification Scheme 2023. Collection method: clinical testing. Allele origin: germline.
Comment: The p.Y1170C variant (also known as c.3509A>G), located in coding exon 17 of the BLM gene, results from an A to G substitution at nucleotide position 3509. The tyrosine at codon 1170 is replaced by cysteine, an amino acid with highly dissimilar properties. This amino acid position is highly conserved in available vertebrate species. In addition, this alteration is predicted to be deleterious by in silico analysis. Since supporting evidence is limited at this time, the clinical significance of this alteration remains unclear.

NM_000057.4(BLM):c.3509A>G (p.Tyr1170Cys)

Gene: BLM (BLM RecQ like helicase; plus strand). Cytogenetic location: 15q26.1.
Variant type: single nucleotide variant.
Coding change: c.3509A>G on transcript NM_000057.4 (MANE Select); coding-DNA position 3509, A replaced by G.
Protein change: p.Tyr1170Cys; replaces tyrosine 1170 with cysteine.
Molecular consequence: missense variant. On other transcripts: intron variant (1).
Genome position (GRCh38, 1-based): chr15:90,803,671, A>G. VCF-style: chr15-90803671-A-G. GRCh37 (hg19) VCF-style: chr15-91346901-A-G.
Other names: c.3509A>G, p.Tyr1170Cys (NM_001287246.2); c.2384A>G, p.Tyr795Cys (NM_001287248.2); c.3358+5334A>G (NM_001287247.2); short protein forms Y1170C, Y795C.
Identifiers: ClinVar variation 823863 (VCV000823863.4), dbSNP rs746692894, ClinGen allele CA393847756.